The following is an entry in ClinVar:

NM_003672.4(CDC14A):c.533G>T (p.Gly178Val)

Gene: CDC14A (cell division cycle 14A; plus strand). Cytogenetic location: 1p21.2.
Variant type: single nucleotide variant.
Coding change: c.533G>T on transcript NM_003672.4 (MANE Select); coding-DNA position 533, G replaced by T.
Protein change: p.Gly178Val; replaces glycine 178 with valine.
Molecular consequence: missense variant. On other transcripts: intron variant (1).
Genome position (GRCh38, 1-based): chr1:100,455,418, G>T. VCF-style: chr1-100455418-G-T. GRCh37 (hg19) VCF-style: chr1-100920974-G-T.
Other names: c.533G>T, p.Gly178Val (NM_001319210.2, NM_033312.3, NM_033313.3); c.359G>T, p.Gly120Val (NM_001319211.2); c.-272-7233G>T (NM_001319212.2); short protein forms G120V, G178V.
Identifiers: ClinVar variation 4795517 (VCV004795517.1).

ClinVar aggregate classification (germline): Uncertain significance (1 of 4 stars; one submission).

gnomAD v4.1: 1 of 1,601,192 alleles (0.000062%); highest among the groups gnomAD compares: Non-Finnish European, 0.000085%; no homozygotes.

Submission:

GeneDx
Classification: Uncertain significance. Last evaluated: 2025-08-11. Review status: criteria provided, single submitter. Criteria: GeneDx Variant Classification Process June 2021. Collection method: clinical testing. Allele origin: germline. Affected: yes.
Comment: Not observed at significant frequency in large population cohorts (gnomAD); In silico analysis supports that this missense variant has a deleterious effect on protein structure/function; Has not been previously published as pathogenic or benign to our knowledge